The following is an entry in ClinVar:

ClinVar aggregate classification (germline): Uncertain significance (1 of 4 stars; one submission).

Conditions:
PRPH2-related disorder. Also called: PRPH2-related disorders; PRPH2-related condition. Identifiers: MedGen CN239395.

Allele frequency attached by ClinVar (database versions not stated): gnomAD exomes 0.00001.
gnomAD v4.1: 4 of 1,614,146 alleles (0.00025%); highest among the groups gnomAD compares: South Asian, 0.0044%; no homozygotes.

Submission:

Labcorp Genetics (formerly Invitae), Labcorp
Classification: Uncertain significance for PRPH2-related disorder. Last evaluated: 2022-06-10. Review status: criteria provided, single submitter. Criteria: Invitae Variant Classification Sherloc (09022015). Collection method: clinical testing. Allele origin: germline.
Comment: In summary, the available evidence is currently insufficient to determine the role of this variant in disease. Therefore, it has been classified as a Variant of Uncertain Significance. Advanced modeling of protein sequence and biophysical properties (such as structural, functional, and spatial information, amino acid conservation, physicochemical variation, residue mobility, and thermodynamic stability) performed at Invitae indicates that this missense variant is expected to disrupt PRPH2 protein function. This variant has not been reported in the literature in individuals affected with PRPH2-related conditions. This variant is present in population databases (no rsID available, gnomAD 0.003%). This sequence change replaces tyrosine, which is neutral and polar, with cysteine, which is neutral and slightly polar, at codon 225 of the PRPH2 protein (p.Tyr225Cys).

NM_000322.5(PRPH2):c.674A>G (p.Tyr225Cys)

Gene: PRPH2 (peripherin 2; minus strand). Cytogenetic location: 6p21.1.
Variant type: single nucleotide variant.
Coding change: c.674A>G on transcript NM_000322.5 (MANE Select); coding-DNA position 674, A replaced by G.
Protein change: p.Tyr225Cys; replaces tyrosine 225 with cysteine.
Molecular consequence: missense variant.
Genome position (GRCh38, 1-based): chr6:42,704,519, T>C on the plus strand (A>G on the coding strand, the complement: PRPH2 is on the minus strand). VCF-style: chr6-42704519-T-C. GRCh37 (hg19) VCF-style: chr6-42672257-T-C.
Other names: short protein forms Y225C.
Identifiers: ClinVar variation 1963740 (VCV001963740.5), dbSNP rs1201312863, ClinGen allele CA364135391.
Genomic context (GRCh38, chr6:42,704,519, plus strand): 5'-AGGTTGAGCTCCTCCGTCTGGTGGTCGTAACTGTAGTGTGCTGAGTTGTTGGTGATCTGA[T>C]ACTGGATGCAGGGCCGTGGCGAGCTAGGATTGCAGCAGCTGAAAGGGACGCCGTCCACCA-3'
Protein context (NP_000313.2, residues 215-235): NPSSPRPCIQ[Tyr225Cys]QITNNSAHYS